The following is an entry in ClinVar:

NM_000143.4(FH):c.704A>G (p.His235Arg)

Gene: FH (fumarate hydratase; minus strand). Cytogenetic location: 1q43.
Variant type: single nucleotide variant.
Coding change: c.704A>G on transcript NM_000143.4 (MANE Select); coding-DNA position 704, A replaced by G.
Protein change: p.His235Arg; replaces histidine 235 with arginine.
Molecular consequence: missense variant.
Genome position (GRCh38, 1-based): chr1:241,508,637, T>C on the plus strand (A>G on the coding strand, the complement: FH is on the minus strand). VCF-style: chr1-241508637-T-C. GRCh37 (hg19) VCF-style: chr1-241671937-T-C.
Other names: short protein forms H235R.
Identifiers: ClinVar variation 844336 (VCV000844336.15), dbSNP rs1659990191, ClinGen allele CA345439212.

ClinVar aggregate classification (germline): Pathogenic. Review status: criteria provided, multiple submitters, no conflicts (2 of 4 stars). 2 submissions from 2 submitters: Pathogenic (2). Last evaluated 2025-08-21.

Conditions:
Hereditary cancer-predisposing syndrome. Also called: Neoplastic Syndromes, Hereditary; Tumor predisposition; Hereditary Cancer Syndrome; Hereditary neoplastic syndrome. Identifiers: Orphanet 140162, MedGen C0027672, MeSH D009386, MONDO:0015356.

Submissions (3):

Labcorp Genetics (formerly Invitae), Labcorp
Classification: Pathogenic. Last evaluated: 2025-08-21. Review status: criteria provided, single submitter. Criteria: Invitae Variant Classification Sherloc (09022015). Collection method: clinical testing. Allele origin: germline.
Comment: This sequence change replaces histidine, which is basic and polar, with arginine, which is basic and polar, at codon 235 of the FH protein (p.His235Arg). This variant is not present in population databases (gnomAD no frequency). This missense change has been observed in individual(s) with hereditary leiomyomatosis and renal cell cancer (HLRCC) (PMID: 21398687). This variant is also known as c.575A>G (p.His192Arg). ClinVar contains an entry for this variant (Variation ID: 844336). Invitae Evidence Modeling of protein sequence and biophysical properties (such as structural, functional, and spatial information, amino acid conservation, physicochemical variation, residue mobility, and thermodynamic stability) indicates that this missense variant is expected to disrupt FH protein function with a positive predictive value of 95%. This variant disrupts the p.His235 amino acid residue in FH. Other variant(s) that disrupt this residue have been determined to be pathogenic (PMID: 23203078, 26983443). This suggests that this residue is clinically significant, and that variants that disrupt this residue are likely to be disease-causing. For these reasons, this variant has been classified as Pathogenic.

Ambry Genetics
Classification: Pathogenic for Hereditary cancer-predisposing syndrome. Last evaluated: 2025-07-11. Review status: criteria provided, single submitter. Criteria: Ambry Variant Classification Scheme 2023. Collection method: clinical testing. Allele origin: germline.
Comment: The p.H235R variant (also known as c.704A>G), located in coding exon 5 of the FH gene, results from an A to G substitution at nucleotide position 704. The histidine at codon 235 is replaced by arginine, an amino acid with highly similar properties. This alteration was reported in an individual with a clinical diagnosis of HLRCC; functional analysis showed 45% FH enzyme activity (Muller M et al. Clin. Genet., 2017 Dec;92:606-615). In a different study, this alteration was reported to segregate with disease in 3/3 family members; 3/3 relatives were reported to have cutaneous leiomyomas and 2/2 females had uterine leiomyomas; functional activity of FH was shown to be 44% (Gardie B et al. J. Med. Genet. 2011 Apr;48(4):226-34). This amino acid position is highly conserved in available vertebrate species. Based on internal structural analysis, this variant is anticipated to disrupt a region of known function (Ambry internal data). In addition, this alteration is predicted to be deleterious by in silico analysis. Based on the available evidence, this alteration is classified as a pathogenic mutation.

Blake Wilde Laboratory, Roswell Park Comprehensive Cancer Center
No classification provided (evidence only). Condition: Hereditary leiomyomatosis and renal cell cancer. Review status: no classification provided. Collection method: in vitro. Allele origin: not applicable. Functional consequence: decreased enzyme activity. Not counted in ClinVar's aggregate classification.

Literature cited by the submitters: PubMed 21398687 (cited by Labcorp Genetics (formerly Invitae), Labcorp and Ambry Genetics); PubMed 23203078 (cited by Labcorp Genetics (formerly Invitae), Labcorp); PubMed 26983443 (cited by Labcorp Genetics (formerly Invitae), Labcorp); PubMed 28300276 (cited by Ambry Genetics).